The following is an entry in ClinVar:

ClinVar aggregate classification (germline): Uncertain significance (1 of 4 stars; one submission).

Submission:

Ambry Genetics
Classification: Uncertain significance. Last evaluated: 2026-01-24. Review status: criteria provided, single submitter. Criteria: Ambry Variant Classification Scheme 2023. Collection method: clinical testing. Allele origin: germline.
Comment: The p.Q491E variant (also known as c.1471C>G), located in coding exon 1 of the TET2 gene, results from a C to G substitution at nucleotide position 1471. The glutamine at codon 491 is replaced by glutamic acid, an amino acid with highly similar properties. This amino acid position is conserved. In addition, this alteration is predicted to be tolerated by in silico analysis. Based on the available evidence, the clinical significance of this variant remains unclear.

NM_001127208.3(TET2):c.1471C>G (p.Gln491Glu)

Genes: TET2 (tet methylcytosine dioxygenase 2; plus strand), TET2-AS1 (TET2 antisense RNA 1; minus strand). Cytogenetic location: 4q24.
Variant type: single nucleotide variant.
Coding change: c.1471C>G on transcript NM_001127208.3 (MANE Select); coding-DNA position 1471, C replaced by G.
Protein change: p.Gln491Glu; replaces glutamine 491 with glutamic acid.
Molecular consequence: missense variant.
Genome position (GRCh38, 1-based): chr4:105,235,413, C>G. VCF-style: chr4-105235413-C-G. GRCh37 (hg19) VCF-style: chr4-106156570-C-G.
Other names: c.1471C>G, p.Gln491Glu (NM_017628.4); short protein forms Q491E.
Identifiers: ClinVar variation 4825007 (VCV004825007.1).